The following is an entry in ClinVar:

ClinVar aggregate classification (germline): Uncertain significance (1 of 4 stars; one submission).

Conditions:
Hereditary nonpolyposis colorectal neoplasms. Identifiers: MedGen C0009405, MeSH D003123.

Submission:

Labcorp Genetics (formerly Invitae), Labcorp
Classification: Uncertain significance for Hereditary nonpolyposis colorectal neoplasms. Last evaluated: 2022-11-23. Review status: criteria provided, single submitter. Criteria: Invitae Variant Classification Sherloc (09022015). Collection method: clinical testing. Allele origin: germline.
Comment: In summary, the available evidence is currently insufficient to determine the role of this variant in disease. Therefore, it has been classified as a Variant of Uncertain Significance. This variant is not present in population databases (gnomAD no frequency). This variant has not been reported in the literature in individuals affected with PMS2-related conditions. ClinVar contains an entry for this variant (Variation ID: 1482631). Advanced modeling of protein sequence and biophysical properties (such as structural, functional, and spatial information, amino acid conservation, physicochemical variation, residue mobility, and thermodynamic stability) performed at Invitae indicates that this missense variant is expected to disrupt PMS2 protein function. This sequence change replaces cysteine, which is neutral and slightly polar, with phenylalanine, which is neutral and non-polar, at codon 27 of the PMS2 protein (p.Cys27Phe).

NM_000535.7(PMS2):c.80G>T (p.Cys27Phe)

Gene: PMS2 (PMS1 homolog 2, mismatch repair system component; minus strand). Cytogenetic location: 7p22.1.
Variant type: single nucleotide variant.
Coding change: c.80G>T on transcript NM_000535.7 (MANE Select); coding-DNA position 80, G replaced by T.
Protein change: p.Cys27Phe; replaces cysteine 27 with phenylalanine.
Molecular consequence: missense variant. On other transcripts: intron variant (3), non-coding transcript variant (1), 5 prime UTR variant (8).
Genome position (GRCh38, 1-based): chr7:6,005,975, C>A on the plus strand (G>T on the coding strand, the complement: PMS2 is on the minus strand). VCF-style: chr7-6005975-C-A. GRCh37 (hg19) VCF-style: chr7-6045606-C-A.
Other names: c.-242-1917G>T (NM_001322004.2, NM_001322010.2); c.-52-1917G>T (NM_001322008.2); c.-326G>T (NM_001322003.2, NM_001322005.2, NM_001322009.2 and 1 more transcripts); c.80G>T, p.Cys27Phe (NM_001322006.2, NM_001322014.2); c.-136G>T (NM_001322007.2); c.-805G>T (NM_001322011.2, NM_001322012.2); c.-405G>T (NM_001322015.2); short protein forms C27F.
Identifiers: ClinVar variation 1482631 (VCV001482631.8), dbSNP rs2128845886, ClinGen allele CA366745096.
Genomic context (GRCh38, chr7:6,005,975, plus strand): 5'-AGACTGTTTTCTACTAACTCCTTTACCGCAGTGCTTAGACTCAGTACCACCTGCCCAGAG[C>A]AAATCTGATGGACTGACTTCCGATCAATAGGTTTGATGGCCTTAGCAGGTTCTGTACTAG-3'
Protein context (NP_000526.2, residues 17-37): PIDRKSVHQI[Cys27Phe]SGQVVLSLST